The following is an entry in ClinVar:

NC_000002.11:g.(?_71680752)_(71681217_71708012)del

Gene: DYSF (dysferlin; plus strand). Cytogenetic location: 2p13.2.
Variant type: Deletion.
Identifiers: ClinVar variation 1722385 (VCV001722385.1).

ClinVar aggregate classification (germline): Likely pathogenic (1 of 4 stars; one submission).

Conditions:
Autosomal recessive limb-girdle muscular dystrophy. Identifiers: Orphanet 102015, MedGen C2931907, MONDO:0015152.

Submission:

Women's Health and Genetics/Laboratory Corporation of America, LabCorp
Classification: Likely pathogenic for Autosomal recessive limb-girdle muscular dystrophy. Last evaluated: 2022-09-08. Review status: criteria provided, single submitter. Criteria: LabCorp Variant Classification Summary - May 2015. Collection method: clinical testing. Allele origin: germline.
Comment: Variant summary: The variant identified by MLPA or other technology involves the deletion of exon 1 that contains the canonical translation initiation codon of the DYSF gene. The exact breakpoint at the 5' end of this variant is unknown and therefore this deletion might extend upstream of the assayed region of the gene, affecting the promoter (including essential regulatory elements). A presumed nomenclature of c.(?_-377)_(88+1_89-1)del has been designated for the purposes of this classification. This deletion is expected to result in an absent or shortened protein product, a known mechanism of disease. The first potential downstream in-frame start codon (ATG) is located in exon 3 at Met75, however several truncations and missense variants have been reported 5' of this position in affected individuals (HGMD), indicating a functional importance for this protein region. The variant was absent in 21694 control chromosomes in the gnomAD database (structural variants dataset). To our knowledge, no occurrence of c.(?_-377)_(88+1_89-1)del in individuals affected with Limb-Girdle Muscular Dystrophy, Autosomal Recessive and no experimental evidence demonstrating its impact on protein function have been reported. No clinical diagnostic laboratories have submitted clinical-significance assessments for this variant to ClinVar after 2014. Based on the evidence outlined above, the variant was classified as likely pathogenic.